The following is an entry in ClinVar:

ClinVar aggregate classification (germline): Pathogenic. Review status: criteria provided, single submitter (1 of 4 stars). 2 submissions from 2 submitters: Pathogenic (1). 1 of the submissions does not count toward it. Last evaluated 2019-04-01.

Conditions:
Familial isolated deficiency of vitamin E (AVED). Also called: ATAXIA, FRIEDREICH-LIKE, WITH SELECTIVE VITAMIN E DEFICIENCY; Ataxia with isolated vitamin E deficiency. Identifiers: Orphanet 96, MedGen C1848533, MONDO:0010188, OMIM 277460.

Submissions (2):

Labcorp Genetics (formerly Invitae), Labcorp
Classification: Pathogenic. Last evaluated: 2019-04-01. Review status: criteria provided, single submitter. Criteria: Invitae Variant Classification Sherloc (09022015). Collection method: clinical testing. Allele origin: germline.
Comment: For these reasons, this variant has been classified as Pathogenic. Loss-of-function variants in TTPA are known to be pathogenic (PMID: 9463307, 26068213). This variant has not been reported in the literature in individuals with TTPA-related conditions. ClinVar contains an entry for this variant (Variation ID: 550204). The frequency data for this variant in the population databases is considered unreliable, as metrics indicate insufficient coverage at this position in the ExAC database. This sequence change creates a premature translational stop signal (p.Ala30Serfs*31) in the TTPA gene. It is expected to result in an absent or disrupted protein product.

Counsyl
Classification: Likely pathogenic for Familial isolated deficiency of vitamin E. Last evaluated: 2016-12-21. Review status: no assertion criteria provided. Collection method: clinical testing. Allele origin: unknown. Not counted in ClinVar's aggregate classification.

Literature cited by the submitters: PubMed 9463307 (cited by Labcorp Genetics (formerly Invitae), Labcorp); PubMed 26068213 (cited by Labcorp Genetics (formerly Invitae), Labcorp).

NM_000370.3(TTPA):c.88_118del (p.Ala30fs)

Gene: TTPA (alpha tocopherol transfer protein; minus strand). Cytogenetic location: 8q12.3.
Variant type: Deletion.
Coding change: c.88_118del on transcript NM_000370.3 (MANE Select); coding-DNA positions 88 to 118, 31 bases deleted.
Protein change: p.Ala30fs; shifts the reading frame from alanine 30.
Molecular consequence: frameshift variant.
Genome position (GRCh38, 1-based): chr8:63,085,904-63,085,934, 31 bases deleted; deleting any 31 consecutive bases within chr8:63,085,904-63,085,940 gives the same sequence; the c. name uses the placement nearest the transcript's 3' end. GRCh37 (hg19): chr8:63,998,469-63,998,499.
Other names: c.88_118del31 (NM_000370.3); short protein forms A30fs.
Identifiers: ClinVar variation 550204 (VCV000550204.10), dbSNP rs1554525125, ClinGen allele CA658822190.
Genomic context (GRCh38, chr8:63,085,903, plus strand): 5'-TCCCGGGCGCGCAGGAACCGCAGCAGGAAGGAGTCGGTGAGCGGCAGCGGCGCGAGCGGG[ACGCCAGCTTCCCGGGCCCGGCGCCGCAGCGC>A]CGCCAGGCCCGGCTGCAGCAACGGAGAGTGGTCCGGTAGCGCGTTGAGCTGCGGCCCCGC-3'